The following is an entry in ClinVar:

NM_001276345.2(TNNT2):c.39G>A (p.Glu13=)

Gene: TNNT2 (troponin T2, cardiac type; minus strand). Cytogenetic location: 1q32.1.
Variant type: single nucleotide variant.
Coding change: c.39G>A on transcript NM_001276345.2 (MANE Select); coding-DNA position 39, G replaced by A.
Protein change: p.Glu13=; no amino-acid change (glutamic acid 13 retained).
Molecular consequence: synonymous variant.
Genome position (GRCh38, 1-based): chr1:201,373,216, C>T on the plus strand (G>A on the coding strand, the complement: TNNT2 is on the minus strand). VCF-style: chr1-201373216-C-T. GRCh37 (hg19) VCF-style: chr1-201342344-C-T.
Other names: c.39G>A, p.Glu13= (NM_000364.4, NM_001001430.3, NM_001001431.3 and 3 more transcripts).
Identifiers: ClinVar variation 165557 (VCV000165557.14), dbSNP rs727503516, ClinGen allele CA004404.

ClinVar aggregate classification (germline): Conflicting classifications of pathogenicity. Review status: criteria provided, conflicting classifications (1 of 4 stars). 4 submissions from 4 submitters: Uncertain significance (1); Likely benign (3). Last evaluated 2025-06-23.

Conditions:
Cardiovascular phenotype. Identifiers: MedGen CN230736.
Cardiomyopathy (CMYO). Also called: Cardiomyopathies. Identifiers: Orphanet 167848, MedGen C0878544, MONDO:0004994, HP:0001638. Inheritance: Various modes of inheritance.
Dilated cardiomyopathy 1D. Identifiers: Orphanet 154, Orphanet 54260, MedGen C1832243, MONDO:0011095, OMIM 601494.
Cardiomyopathy, familial restrictive, 3. Identifiers: Orphanet 75249, MedGen C2676271, MONDO:0012900, OMIM 612422.
Hypertrophic cardiomyopathy 2. Also called: TNNT2-Related Familial Hypertrophic Cardiomyopathy. Identifiers: MedGen C1861864, MONDO:0007266, OMIM 115195.

Allele frequency attached by ClinVar (database versions not stated): gnomAD exomes below 0.00001; TOPMed below 0.00001; gnomAD 0.00001.
gnomAD v4.1: 4 of 1,614,060 alleles (0.00025%); highest among the groups gnomAD compares: Non-Finnish European, 0.00034%; no homozygotes.

Submissions (4):

Color Diagnostics, LLC DBA Color Health
Classification: Likely benign for Cardiomyopathy. Last evaluated: 2025-06-23. Review status: criteria provided, single submitter. Criteria: ACMG Guidelines, 2015. Collection method: clinical testing. Allele origin: germline.

Ambry Genetics
Classification: Likely benign for Cardiovascular phenotype. Last evaluated: 2024-12-31. Review status: criteria provided, single submitter. Criteria: Ambry Variant Classification Scheme 2023. Collection method: clinical testing. Allele origin: germline.

Labcorp Genetics (formerly Invitae), Labcorp
Classification: Likely benign for Cardiomyopathy, familial restrictive, 3; Hypertrophic cardiomyopathy 2; Dilated cardiomyopathy 1D. Last evaluated: 2024-10-24. Review status: criteria provided, single submitter. Criteria: Invitae Variant Classification Sherloc (09022015). Collection method: clinical testing. Allele origin: germline.

Laboratory for Molecular Medicine, Mass General Brigham Personalized Medicine
Classification: Uncertain significance. Last evaluated: 2014-08-27. Review status: criteria provided, single submitter. Criteria: LMM Criteria. Collection method: clinical testing. Allele origin: germline. Observed: 1 variant allele.
Comment: Variant classified as Uncertain Significance - Favor Benign. The Glu13Glu varian t in TNNT2 has not been previously reported in individuals with cardiomyopathy o r in large population studies. This variant is located in the last three bases o f the exon, which is part of the 5? splice region. Computational tools do not su ggest an impact to splicing; however, this information is not predictive enough to rule out pathogenicity. In summary, while the clinical significance of the Gl u13Glu variant is uncertain, the variant does not alter the amino acid residue a nd is more likely benign.